The following is an entry in ClinVar:

ClinVar aggregate classification (germline): Uncertain significance. Review status: criteria provided, multiple submitters, no conflicts (2 of 4 stars). 2 submissions from 2 submitters: Uncertain significance (2). Last evaluated 2023-03-22.

Allele frequency attached by ClinVar (database versions not stated): ExAC 0.00001; gnomAD exomes 0.00001.
gnomAD v4.1: 8 of 1,211,264 alleles (0.00066%); highest among the groups gnomAD compares: East Asian, 0.003%; no homozygotes.

Submissions (2):

Labcorp Genetics (formerly Invitae), Labcorp
Classification: Uncertain significance. Last evaluated: 2023-03-22. Review status: criteria provided, single submitter. Criteria: Invitae Variant Classification Sherloc (09022015). Collection method: clinical testing. Allele origin: germline.
Comment: This variant has not been reported in the literature in individuals affected with CLCN5-related conditions. ClinVar contains an entry for this variant (Variation ID: 282651). An algorithm developed to predict the effect of missense changes on protein structure and function (PolyPhen-2) suggests that this variant is likely to be disruptive. In summary, the available evidence is currently insufficient to determine the role of this variant in disease. Therefore, it has been classified as a Variant of Uncertain Significance. This variant is present in population databases (rs781962147, gnomAD 0.008%). This sequence change replaces arginine, which is basic and polar, with glutamine, which is neutral and polar, at codon 704 of the CLCN5 protein (p.Arg704Gln).

Eurofins Ntd Llc (ga)
Classification: Uncertain significance. Last evaluated: 2015-08-26. Review status: criteria provided, single submitter. Criteria: EGL Classification Definitions 2015. Collection method: clinical testing. Allele origin: germline. Observed: 1 variant allele, 1 hemizygote.

NM_001127898.4(CLCN5):c.2321G>A (p.Arg774Gln)

Genes: CLCN5 (chloride voltage-gated channel 5; plus strand), LOC126863258 (BRD4-independent group 4 enhancer GRCh37_chrX:49854497-49855696; plus strand). Cytogenetic location: Xp11.23.
Variant type: single nucleotide variant.
Coding change: c.2321G>A on transcript NM_001127898.4 (MANE Select); coding-DNA position 2321, G replaced by A.
Protein change: p.Arg774Gln; replaces arginine 774 with glutamine.
Molecular consequence: missense variant.
Genome position (GRCh38, 1-based): chrX:50,090,847, G>A. VCF-style: chrX-50090847-G-A. GRCh37 (hg19) VCF-style: chrX-49855504-G-A.
Other names: c.2111G>A, p.Arg704Gln (NM_000084.5); c.2321G>A, p.Arg774Gln (NM_001127899.4); c.2171G>A, p.Arg724Gln (NM_001282163.2); short protein forms R704Q, R774Q, R724Q.
Identifiers: ClinVar variation 282651 (VCV000282651.8), dbSNP rs781962147, ClinGen allele CA10413990.